The following is an entry in ClinVar:

ClinVar aggregate classification (germline): Uncertain significance (1 of 4 stars; one submission).

Conditions:
Early-infantile DEE. Also called: Ohtahara syndrome; Early infantile epileptic encephalopathy; Early infantile epileptic encephalopathy with suppression bursts. Identifiers: Orphanet 1934, MedGen C0393706, MONDO:0800491.

gnomAD v4.1: 1 of 1,614,058 alleles (0.000062%); highest among the groups gnomAD compares: Non-Finnish European, 0.000085%; no homozygotes.

Submission:

Labcorp Genetics (formerly Invitae), Labcorp
Classification: Uncertain significance for Early-infantile DEE. Last evaluated: 2024-03-13. Review status: criteria provided, single submitter. Criteria: Invitae Variant Classification Sherloc (09022015). Collection method: clinical testing. Allele origin: germline.
Comment: This sequence change replaces aspartic acid, which is acidic and polar, with glycine, which is neutral and non-polar, at codon 1365 of the SPTAN1 protein (p.Asp1365Gly). This variant is not present in population databases (gnomAD no frequency). This variant has not been reported in the literature in individuals affected with SPTAN1-related conditions. ClinVar contains an entry for this variant (Variation ID: 1498709). Advanced modeling of protein sequence and biophysical properties (such as structural, functional, and spatial information, amino acid conservation, physicochemical variation, residue mobility, and thermodynamic stability) has been performed at Invitae for this missense variant, however the output from this modeling did not meet the statistical confidence thresholds required to predict the impact of this variant on SPTAN1 protein function. Algorithms developed to predict the effect of sequence changes on RNA splicing suggest that this variant may disrupt the consensus splice site. In summary, the available evidence is currently insufficient to determine the role of this variant in disease. Therefore, it has been classified as a Variant of Uncertain Significance.

NM_001130438.3(SPTAN1):c.4094A>G (p.Asp1365Gly)

Gene: SPTAN1 (spectrin alpha, non-erythrocytic 1; plus strand). Cytogenetic location: 9q34.11.
Variant type: single nucleotide variant.
Coding change: c.4094A>G on transcript NM_001130438.3 (MANE Select); coding-DNA position 4094, A replaced by G.
Protein change: p.Asp1365Gly; replaces aspartic acid 1365 with glycine.
Molecular consequence: missense variant.
Genome position (GRCh38, 1-based): chr9:128,607,651, A>G. VCF-style: chr9-128607651-A-G. GRCh37 (hg19) VCF-style: chr9-131369930-A-G.
Other names: c.4094A>G, p.Asp1365Gly (NM_001375313.1, NM_003127.4, NM_001363759.2 and 2 more transcripts); c.4034A>G, p.Asp1345Gly (NM_001375314.2, NM_001195532.2, NM_001363765.2); c.4130A>G, p.Asp1377Gly (NM_001375318.1, NM_001375312.2); short protein forms D1345G, D1365G, D1377G.
Identifiers: ClinVar variation 1498709 (VCV001498709.9), dbSNP rs1175320305, ClinGen allele CA375065841.